The following is an entry in ClinVar:

NM_001105206.3(LAMA4):c.1658A>C (p.Asp553Ala)

Gene: LAMA4 (laminin subunit alpha 4; minus strand). Cytogenetic location: 6q21.
Variant type: single nucleotide variant.
Coding change: c.1658A>C on transcript NM_001105206.3 (MANE Select); coding-DNA position 1658, A replaced by C.
Protein change: p.Asp553Ala; replaces aspartic acid 553 with alanine.
Molecular consequence: missense variant.
Genome position (GRCh38, 1-based): chr6:112,165,170, T>G on the plus strand (A>C on the coding strand, the complement: LAMA4 is on the minus strand). VCF-style: chr6-112165170-T-G. GRCh37 (hg19) VCF-style: chr6-112486372-T-G.
Other names: c.1637A>C, p.Asp546Ala (NM_001105207.3, NM_002290.5); short protein forms D546A, D553A.
Identifiers: ClinVar variation 2562618 (VCV002562618.2), dbSNP rs2547092006, ClinGen allele CA365367426.

ClinVar aggregate classification (germline): Uncertain significance (1 of 4 stars; one submission).

Conditions:
Cardiovascular phenotype. Identifiers: MedGen CN230736.

Submission:

Ambry Genetics
Classification: Uncertain significance for Cardiovascular phenotype. Last evaluated: 2023-03-20. Review status: criteria provided, single submitter. Criteria: Ambry Variant Classification Scheme 2023. Collection method: clinical testing. Allele origin: germline.
Comment: The p.D546A variant (also known as c.1637A>C), located in coding exon 12 of the LAMA4 gene, results from an A to C substitution at nucleotide position 1637. The aspartic acid at codon 546 is replaced by alanine, an amino acid with dissimilar properties. This amino acid position is conserved. In addition, this alteration is predicted to be tolerated by in silico analysis. Since supporting evidence is limited at this time, the clinical significance of this alteration remains unclear.